The following is an entry in ClinVar:

ClinVar aggregate classification (germline): Conflicting classifications of pathogenicity. Review status: criteria provided, conflicting classifications (1 of 4 stars). 6 submissions from 6 submitters: Likely pathogenic (1); Uncertain significance (5). Last evaluated 2025-06-11.

Conditions:
Congenital multicore myopathy with external ophthalmoplegia (CMYO1B). Also called: Congenital myopathy 1B, autosomal recessive; Minicore myopathy; Minicore myopathy with external ophthalmoplegia; MULTIMINICORE DISEASE WITH EXTERNAL OPHTHALMOPLEGIA; MULTICORE MYOPATHY. Identifiers: Orphanet 598, Orphanet 98905, MedGen C1850674, MONDO:0009712, OMIM 255320, HP:0003789.
Malignant hyperthermia, susceptibility to, 1 (MHS1). Also called: RYR1-Related Malignant Hyperthermia Susceptibility; Anesthesia related hyperthermia; Malignant hyperpyrexia; Fulminating hyperpyrexia; Pharmacogenic myopathy; Malignant hyperthermia suceptibility 1. Identifiers: Orphanet 423, MedGen C2930980, MONDO:0007783, OMIM 145600.
Congenital myopathy with fiber type disproportion. Also called: Congenital fiber-type disproportion myopathy; Congenital fiber-type disproportion. Identifiers: Orphanet 2020, MedGen C0546264, MONDO:0009711. Inheritance: all.
Central core myopathy (CMYO1A). Also called: CONGENITAL MYOPATHY 1A, AUTOSOMAL DOMINANT, WITH SUSCEPTIBILITY TO MALIGNANT HYPERTHERMIA; Central core disease; Myopathy, central fibrillar. Identifiers: Orphanet 597, MedGen C5830701, MONDO:0007294, OMIM 117000.
King Denborough syndrome (KDS). Identifiers: MedGen C1840365, MONDO:0020485, OMIM 619542.
RYR1-related disorder. Also called: RYR1-related disorders; RYR1-related condition. Identifiers: MedGen CN239331.

Allele frequency attached by ClinVar (database versions not stated): gnomAD exomes below 0.00001 and 0.00001; gnomAD 0.00001; TOPMed 0.00001.
gnomAD v4.1: 8 of 1,613,978 alleles (0.0005%); highest among the groups gnomAD compares: African/African-American, 0.0013%; no homozygotes.

Submissions (6):

Labcorp Genetics (formerly Invitae), Labcorp
Classification: Uncertain significance for RYR1-related disorder. Last evaluated: 2025-06-11. Review status: criteria provided, single submitter. Criteria: Invitae Variant Classification Sherloc (09022015). Collection method: clinical testing. Allele origin: germline.
Comment: This sequence change replaces arginine, which is basic and polar, with glutamine, which is neutral and polar, at codon 3350 of the RYR1 protein (p.Arg3350Gln). This variant is present in population databases (rs538500669, gnomAD 0.003%). This variant has not been reported in the literature in individuals affected with RYR1-related conditions. ClinVar contains an entry for this variant (Variation ID: 872588). Invitae Evidence Modeling of protein sequence and biophysical properties (such as structural, functional, and spatial information, amino acid conservation, physicochemical variation, residue mobility, and thermodynamic stability) indicates that this missense variant is not expected to disrupt RYR1 protein function with a negative predictive value of 80%. In summary, the available evidence is currently insufficient to determine the role of this variant in disease. Therefore, it has been classified as a Variant of Uncertain Significance.

All of Us Research Program, National Institutes of Health
Classification: Uncertain significance for Malignant hyperthermia, susceptibility to, 1. Last evaluated: 2024-08-06. Review status: criteria provided, single submitter. Criteria: ACMG Guidelines, 2015. Collection method: clinical testing. Allele origin: germline. Inheritance: Autosomal dominant inheritance. Observed: 5 variant alleles, 5 heterozygotes.
Comment: This missense variant replaces arginine with glutamine at codon 3350 of the RYR1 protein. Computational prediction suggests that this variant may not impact protein structure and function (internally defined REVEL score threshold <= 0.5, PMID: 27666373). To our knowledge, functional studies have not been reported for this variant. This variant has not been reported in individuals affected with RYR1-related disorders in the literature. This variant has been identified in 2/251052 chromosomes in the general population by the Genome Aggregation Database (gnomAD). The available evidence is insufficient to determine the role of this variant in disease conclusively. Therefore, this variant is classified as a Variant of Uncertain Significance.

This study involves interpretation of variants in research participants for the purpose of population health screening. Participant phenotype was not available at the time of variant classification. Additional details can be found in publication PMID: 35346344, PMCID: PMC8962531

Color Diagnostics, LLC DBA Color Health
Classification: Uncertain significance for Malignant hyperthermia, susceptibility to, 1. Last evaluated: 2024-06-20. Review status: criteria provided, single submitter. Criteria: ACMG Guidelines, 2015. Collection method: clinical testing. Allele origin: germline.
Comment: This missense variant replaces arginine with glutamine at codon 3350 of the RYR1 protein. Computational prediction suggests that this variant may not impact protein structure and function. To our knowledge, functional studies have not been reported for this variant. This variant has not been reported in individuals affected with RYR1-related disorders in the literature. This variant has been identified in 2/251052 chromosomes in the general population by the Genome Aggregation Database (gnomAD). The available evidence is insufficient to determine the role of this variant in disease conclusively. Therefore, this variant is classified as a Variant of Uncertain Significance.

Kariminejad - Najmabadi Pathology & Genetics Center
Classification: Likely pathogenic for Congenital multicore myopathy with external ophthalmoplegia. Last evaluated: 2022-10-02. Review status: criteria provided, single submitter. Criteria: ACMG Guidelines, 2015. Collection method: clinical testing. Allele origin: germline. Inheritance: Autosomal recessive inheritance. Affected: yes.
Comment: PVS1, PM2

Fulgent Genetics
Classification: Uncertain significance for Central core myopathy; Malignant hyperthermia, susceptibility to, 1; Congenital myopathy 4A, autosomal dominant; Congenital multicore myopathy with external ophthalmoplegia; King Denborough syndrome. Last evaluated: 2021-09-15. Review status: criteria provided, single submitter. Criteria: ACMG Guidelines, 2015. Collection method: clinical testing. Allele origin: unknown.

CeGaT Center for Human Genetics Tuebingen
Classification: Uncertain significance. Last evaluated: 2019-07-01. Review status: criteria provided, single submitter. Criteria: CeGaT Center For Human Genetics Tuebingen Variant Classification Criteria Version 2. Collection method: clinical testing. Allele origin: germline. Affected: yes. Observed: 1 variant allele.

NM_000540.3(RYR1):c.10049G>A (p.Arg3350Gln)

Gene: RYR1 (ryanodine receptor 1; plus strand). Cytogenetic location: 19q13.2.
Variant type: single nucleotide variant.
Coding change: c.10049G>A on transcript NM_000540.3 (MANE Select); coding-DNA position 10049, G replaced by A.
Protein change: p.Arg3350Gln; replaces arginine 3350 with glutamine.
Molecular consequence: missense variant.
Genome position (GRCh38, 1-based): chr19:38,519,244, G>A. VCF-style: chr19-38519244-G-A. GRCh37 (hg19) VCF-style: chr19-39009884-G-A.
Other names: c.10049G>A, p.Arg3350Gln (NM_001042723.2); short protein forms R3350Q.
Identifiers: ClinVar variation 872588 (VCV000872588.51), dbSNP rs538500669, ClinGen allele CA052265.